The following is an entry in ClinVar:

ClinVar aggregate classification (germline): Uncertain significance. Review status: criteria provided, multiple submitters, no conflicts (2 of 4 stars). 3 submissions from 3 submitters: Uncertain significance (3). Last evaluated 2023-05-31.

Conditions:
Fanconi anemia (FA). Also called: Fanconi's anemia. Identifiers: Orphanet 84, MedGen C0015625, MeSH D005199, MONDO:0019391.
Spermatogenic failure 28. Identifiers: MedGen C4748117, MONDO:0054732, OMIM 618086.
Premature ovarian failure 15. Identifiers: MedGen C4748170, MONDO:0054862, OMIM 618096.

Allele frequency attached by ClinVar (database versions not stated): gnomAD exomes 0.00001; TOPMed 0.00002.
gnomAD v4.1: 14 of 1,613,086 alleles (0.00087%); highest among the groups gnomAD compares: Middle Eastern, 0.016%; no homozygotes.

Submissions (3):

Labcorp Genetics (formerly Invitae), Labcorp
Classification: Uncertain significance for Fanconi anemia. Last evaluated: 2023-05-31. Review status: criteria provided, single submitter. Criteria: Invitae Variant Classification Sherloc (09022015). Collection method: clinical testing. Allele origin: germline.
Comment: ClinVar contains an entry for this variant (Variation ID: 952225). In summary, the available evidence is currently insufficient to determine the role of this variant in disease. Therefore, it has been classified as a Variant of Uncertain Significance. Algorithms developed to predict the effect of missense changes on protein structure and function output the following: SIFT: "Not Available"; PolyPhen-2: "Benign"; Align-GVGD: "Not Available". The histidine amino acid residue is found in multiple mammalian species, which suggests that this missense change does not adversely affect protein function. This variant has not been reported in the literature in individuals affected with FANCM-related conditions. This variant is present in population databases (no rsID available, gnomAD 0.006%). This sequence change replaces arginine, which is basic and polar, with histidine, which is basic and polar, at codon 1204 of the FANCM protein (p.Arg1204His).

Fulgent Genetics
Classification: Uncertain significance for Spermatogenic failure 28; Premature ovarian failure 15. Last evaluated: 2022-04-14. Review status: criteria provided, single submitter. Criteria: ACMG Guidelines, 2015. Collection method: clinical testing. Allele origin: unknown.

GeneDx
Classification: Uncertain significance. Last evaluated: 2019-10-24. Review status: criteria provided, single submitter. Criteria: GeneDx Variant Classification Process June 2021. Collection method: clinical testing. Allele origin: germline. Affected: yes.
Comment: Has not been previously published as pathogenic or benign to our knowledge; Not observed at a significant frequency in large population cohorts (Lek et al., 2016); In silico analysis, which includes protein predictors and evolutionary conservation, supports that this variant does not alter protein structure/function

NM_020937.4(FANCM):c.3611G>A (p.Arg1204His)

Gene: FANCM (FA complementation group M; plus strand). Cytogenetic location: 14q21.2.
Variant type: single nucleotide variant.
Coding change: c.3611G>A on transcript NM_020937.4 (MANE Select); coding-DNA position 3611, G replaced by A.
Protein change: p.Arg1204His; replaces arginine 1204 with histidine.
Molecular consequence: missense variant.
Genome position (GRCh38, 1-based): chr14:45,176,365, G>A. VCF-style: chr14-45176365-G-A. GRCh37 (hg19) VCF-style: chr14-45645568-G-A.
Other names: c.3533G>A, p.Arg1178His (NM_001308133.2); short protein forms R1178H, R1204H.
Identifiers: ClinVar variation 952225 (VCV000952225.12), dbSNP rs867324948, ClinGen allele CA259628403.